The following is an entry in ClinVar:

NM_001278512.2(AP3B2):c.2296AAG[2] (p.Lys768del)

Genes: AP3B2 (adaptor related protein complex 3 subunit beta 2; minus strand), CPEB1-AS1 (CPEB1 antisense RNA 1; plus strand). Cytogenetic location: 15q25.2.
Variant type: Microsatellite.
Coding change: c.2296AAG[2] on transcript NM_001278512.2 (MANE Select); two copies in a row of the 3-base unit AAG starting at c.2296; the reference has three copies in a row; one copy, 3 bases deleted.
Protein change: p.Lys768del; deletes lysine 768.
Molecular consequence: inframe deletion.
Genome position (GRCh38, 1-based): chr15:82,663,933-82,663,935, CTT deleted on the plus strand (AAG on the coding strand, the reverse complement: AP3B2 is on the minus strand); deleting any 3 consecutive bases within chr15:82,663,933-82,663,941 gives the same sequence; the position shown is the placement nearest the transcript's 3' end. VCF-style (leftmost placement, unchanged base first): chr15-82663932-CCTT-C. GRCh37 (hg19) VCF-style: chr15-83332684-CCTT-C.
Other names: c.2143AAG[2], p.Lys717del (NM_001278511.2); c.2239AAG[2], p.Lys749del (NM_004644.5); short protein forms K749del, K717del, K768del.
Identifiers: ClinVar variation 1425646 (VCV001425646.8), dbSNP rs1567256094, ClinGen allele CA619408973.

ClinVar aggregate classification (germline): Uncertain significance (1 of 4 stars; one submission).

Submission:

Labcorp Genetics (formerly Invitae), Labcorp
Classification: Uncertain significance. Last evaluated: 2023-11-27. Review status: criteria provided, single submitter. Criteria: Invitae Variant Classification Sherloc (09022015). Collection method: clinical testing. Allele origin: germline.
Comment: This variant, c.2245_2247del, results in the deletion of 1 amino acid(s) of the AP3B2 protein (p.Lys749del), but otherwise preserves the integrity of the reading frame. This variant is present in population databases (no rsID available, gnomAD 0.003%). This variant has not been reported in the literature in individuals affected with AP3B2-related conditions. In summary, the available evidence is currently insufficient to determine the role of this variant in disease. Therefore, it has been classified as a Variant of Uncertain Significance.